The following is an entry in ClinVar:

NM_000203.5(IDUA):c.1799C>A (p.Ser600Ter)

Gene: IDUA (alpha-L-iduronidase; plus strand). Cytogenetic location: 4p16.3.
Variant type: single nucleotide variant.
Coding change: c.1799C>A on transcript NM_000203.5 (MANE Select); coding-DNA position 1799, C replaced by A.
Protein change: p.Ser600Ter; replaces serine 600 with a stop codon.
Molecular consequence: nonsense. On other transcripts: non-coding transcript variant (1).
Genome position (GRCh38, 1-based): chr4:1,004,083, C>A. VCF-style: chr4-1004083-C-A. GRCh37 (hg19) VCF-style: chr4-997871-C-A.
Other names: c.1799C>A (NM_000203.4); c.1403C>A, p.Ser468Ter (NM_001363576.1); short protein forms S468*, S600*.
Identifiers: ClinVar variation 1068741 (VCV001068741.8), dbSNP rs867456178, ClinGen allele CA355965553.
Genomic context (GRCh38, chr4:1,004,083, plus strand): 5'-CATACGAGATCCAGTTCTCTCAGGACGGTAAGGCGTACACCCCGGTCAGCAGGAAGCCAT[C>A]GACCTTCAACCTCTTTGTGTTCAGCCCAGGTGCGCCCACCACCCGCTGCCCTGGACTCGG-3'

ClinVar aggregate classification (germline): Pathogenic/Likely pathogenic. Review status: criteria provided, multiple submitters, no conflicts (2 of 4 stars). 2 submissions from 2 submitters: Pathogenic (1); Likely pathogenic (1). Last evaluated 2025-12-15.

Conditions:
Mucopolysaccharidosis type 1. Also called: IDUA deficiency; MPS I; Mucopolysaccharidosis Type I. Identifiers: Orphanet 579, MedGen C0023786, MONDO:0001586.

Submissions (2):

Labcorp Genetics (formerly Invitae), Labcorp
Classification: Pathogenic for Mucopolysaccharidosis type 1. Last evaluated: 2025-12-15. Review status: criteria provided, single submitter. Criteria: Invitae Variant Classification Sherloc (09022015). Collection method: clinical testing. Allele origin: germline.
Comment: This sequence change creates a premature translational stop signal (p.Ser600*) in the IDUA gene. While this is not anticipated to result in nonsense mediated decay, it is expected to disrupt the last 54 amino acid(s) of the IDUA protein. This variant is not present in population databases (gnomAD no frequency). This variant has not been reported in the literature in individuals affected with IDUA-related conditions. ClinVar contains an entry for this variant (Variation ID: 1068741). Algorithms developed to predict the effect of sequence changes on RNA splicing suggest that this variant may disrupt the consensus splice site. This variant disrupts a region of the IDUA protein in which other variant(s) (p.Arg628*) have been determined to be pathogenic (PMID: 11735025, 16435195; internal data). This suggests that this is a clinically significant region of the protein, and that variants that disrupt it are likely to be disease-causing. For these reasons, this variant has been classified as Pathogenic.

Natera, Inc.
Classification: Likely pathogenic for Mucopolysaccharidosis type I. Last evaluated: 2025-01-16. Review status: criteria provided, single submitter. Criteria: Natera Variant Classification Schema (03/2026). Collection method: clinical testing. Allele origin: germline.
Comment: The c.1799C>A variant in IDUA is a nonsense variant predicted to introduce a stop codon at amino acid 600. This variant is expected to result in nonsense mediated decay, truncation, or a dysfunctional protein product. This variant is rare in the general population with a frequency below the threshold expected for the associated phenotype(s). Given the available evidence, this variant is classified as Likely Pathogenic.

Literature cited by the submitters: PubMed 11735025 (cited by Labcorp Genetics (formerly Invitae), Labcorp); PubMed 16435195 (cited by Labcorp Genetics (formerly Invitae), Labcorp).